The following is an entry in ClinVar:

NC_000022.10:g.(?_24108011)_(24110169_?)dup

Genes: C22orf15 (chromosome 22 open reading frame 15; plus strand), CHCHD10 (coiled-coil-helix-coiled-coil-helix domain containing 10; minus strand). Cytogenetic location: 22q11.23.
Variant type: Duplication.
Identifiers: ClinVar variation 665651 (VCV000665651.3).

ClinVar aggregate classification (germline): Uncertain significance (1 of 4 stars; one submission).

Conditions:
Lower motor neuron syndrome with late-adult onset (SMAJ). Also called: Spinal muscular atrophy, Jokela type; Late-Onset Spinal Motor Neuronopathy (SMAJ). Identifiers: Orphanet 276435, MedGen C3554398, MONDO:0014025, OMIM 615048.
Frontotemporal dementia and/or amyotrophic lateral sclerosis 2. Also called: FTDALS2. Identifiers: Orphanet 275872, MedGen C4014648, MONDO:0014395, OMIM 615911.
Autosomal dominant mitochondrial myopathy with exercise intolerance (IMMD). Also called: Myopathy, isolated mitochondrial, autosomal dominant. Identifiers: Orphanet 457050, MedGen C4015513, MONDO:0014532, OMIM 616209.

Submission:

Labcorp Genetics (formerly Invitae), Labcorp
Classification: Uncertain significance for Spinal muscular atrophy, jokela type; Frontotemporal dementia and/or amyotrophic lateral sclerosis 2; Myopathy, isolated mitochondrial, autosomal dominant. Last evaluated: 2019-12-30. Review status: criteria provided, single submitter. Criteria: Invitae Variant Classification Sherloc (09022015). Collection method: clinical testing. Allele origin: germline.
Comment: This variant results in a copy number gain of the genomic region encompassing the full coding sequence of the CHCHD10 gene. The boundaries of this event are unknown as they extend beyond the assayed region for this gene and therefore may encompass additional genes. As the precise location of this event is unknown, it may be in tandem or it may be located elsewhere in the genome. This variant has not been reported in the literature in individuals with CHCHD10-related conditions. In summary, the available evidence is currently insufficient to determine the role of this variant in disease. Therefore, it has been classified as a Variant of Uncertain Significance.